The following is an entry in ClinVar:

ClinVar aggregate classification (germline): Uncertain significance (1 of 4 stars; one submission).

Conditions:
Inborn genetic diseases. Identifiers: MedGen C0950123, MeSH D030342.

gnomAD v4.1: 4 of 1,612,776 alleles (0.00025%); highest among the groups gnomAD compares: South Asian, 0.0011%; no homozygotes.

Submission:

Ambry Genetics
Classification: Uncertain significance for Inborn genetic diseases. Last evaluated: 2025-01-23. Review status: criteria provided, single submitter. Criteria: Ambry Variant Classification Scheme 2023. Collection method: clinical testing. Allele origin: germline.
Comment: The p.G508V variant (also known as c.1523G>T), located in coding exon 9 of the ERCC6L2 gene, results from a G to T substitution at nucleotide position 1523. The glycine at codon 508 is replaced by valine, an amino acid with dissimilar properties. This amino acid position is conserved. In addition, this alteration is predicted to be deleterious by in silico analysis. Based on the available evidence, the clinical significance of this variant remains unclear.

NM_020207.7(ERCC6L2):c.1523G>T (p.Gly508Val)

Gene: ERCC6L2 (ERCC excision repair 6 like 2; plus strand). Cytogenetic location: 9q22.32.
Variant type: single nucleotide variant.
Coding change: c.1523G>T on transcript NM_020207.7 (MANE Select); coding-DNA position 1523, G replaced by T.
Protein change: p.Gly508Val; replaces glycine 508 with valine.
Molecular consequence: missense variant. On other transcripts: non-coding transcript variant (1).
Genome position (GRCh38, 1-based): chr9:95,923,369, G>T. VCF-style: chr9-95923369-G-T. GRCh37 (hg19) VCF-style: chr9-98685651-G-T.
Other names: c.1523G>T, p.Gly508Val (NM_001010895.4, NM_001375291.1, NM_001375292.1 and 2 more transcripts); short protein forms G508V.
Identifiers: ClinVar variation 3845891 (VCV003845891.1).